The following is an entry in ClinVar:

NM_032977.4(CASP10):c.1530del (p.Lys510fs)

Gene: CASP10 (caspase 10; plus strand). Cytogenetic location: 2q33.1.
Variant type: Deletion.
Coding change: c.1530del on transcript NM_032977.4 (MANE Select); coding-DNA position 1530, one base deleted (A; older notation c.1530delA).
Protein change: p.Lys510fs; shifts the reading frame from lysine 510.
Molecular consequence: frameshift variant. On other transcripts: 3 prime UTR variant (1), intron variant (2).
Genome position (GRCh38, 1-based): chr2:201,217,702, A deleted; the last of 6 consecutive A bases (chr2:201,217,697-201,217,702); deleting any one gives the same sequence. VCF-style (leftmost placement, unchanged base first): chr2-201217696-GA-G. GRCh37 (hg19) VCF-style: chr2-202082419-GA-G.
Other names: c.1329del, p.Lys443fs (NM_001206524.2); c.1401del, p.Lys467fs (NM_001230.5); c.*616del (NM_032976.4); c.1415+8140del (NM_032974.5); c.1286+8140del (NM_001206542.2); short protein forms K443fs, K467fs, K510fs.
Identifiers: ClinVar variation 2926629 (VCV002926629.4), dbSNP rs762067226, ClinGen allele CA2053285.

ClinVar aggregate classification (germline): Uncertain significance. Review status: criteria provided, multiple submitters, no conflicts (2 of 4 stars). 2 submissions from 2 submitters: Uncertain significance (2). Last evaluated 2024-08-05.

Conditions:
Autoimmune lymphoproliferative syndrome type 2A (ALPS2A). Also called: Autoimmune lymphoproliferative syndrome type 2; CASP10-Related Autoimmune Lymphoproliferative Syndrome; AUTOIMMUNE LYMPHOPROLIFERATIVE SYNDROME, TYPE IIA. Identifiers: Orphanet 3261, MedGen C1858968, MONDO:0011383, OMIM 603909.

Submissions (2):

Labcorp Genetics (formerly Invitae), Labcorp
Classification: Uncertain significance for Autoimmune lymphoproliferative syndrome type 2A. Last evaluated: 2024-08-05. Review status: criteria provided, single submitter. Criteria: Invitae Variant Classification Sherloc (09022015). Collection method: clinical testing. Allele origin: germline.
Comment: This sequence change creates a premature translational stop signal (p.Lys510Asnfs*2) in the CASP10 gene. While this is not anticipated to result in nonsense mediated decay, it is expected to disrupt the last 13 amino acid(s) of the CASP10 protein. This variant is present in population databases (rs762067226, gnomAD 0.003%). This variant has not been reported in the literature in individuals affected with CASP10-related conditions. In summary, the available evidence is currently insufficient to determine the role of this variant in disease. Therefore, it has been classified as a Variant of Uncertain Significance.

Blueprint Genetics
Classification: Uncertain significance. Last evaluated: 2023-08-08. Review status: criteria provided, single submitter. Criteria: ACMG Guidelines, 2015. Collection method: clinical testing. Allele origin: germline.